The following is an entry in ClinVar:

NM_020975.6(RET):c.829G>A (p.Asp277Asn)

Gene: RET (ret proto-oncogene; plus strand). Cytogenetic location: 10q11.21.
Variant type: single nucleotide variant.
Coding change: c.829G>A on transcript NM_020975.6 (MANE Select); coding-DNA position 829, G replaced by A.
Protein change: p.Asp277Asn; replaces aspartic acid 277 with asparagine.
Molecular consequence: missense variant.
Genome position (GRCh38, 1-based): chr10:43,105,155, G>A. VCF-style: chr10-43105155-G-A. GRCh37 (hg19) VCF-style: chr10-43600603-G-A.
Other names: c.829G>A, p.Asp277Asn (NM_000323.2, NM_001406743.1, NM_001406744.1 and 8 more transcripts); c.67G>A, p.Asp23Asn (NM_001355216.2); c.700G>A, p.Asp234Asn (NM_001406761.1, NM_001406762.1, NM_001406764.1 and 2 more transcripts); c.541G>A, p.Asp181Asn (NM_001406766.1, NM_001406767.1, NM_001406770.1); short protein forms D23N, D277N, D234N, D181N.
Identifiers: ClinVar variation 856805 (VCV000856805.16), dbSNP rs1027662469, ClinGen allele CA206256855.
Genomic context (GRCh38, chr10:43,105,155, plus strand): 5'-CCCTTCCCGGTGACCGTGTACGACGAGGACGACTCGGCGCCCACCTTCCCCGCGGGCGTC[G>A]ACACCGCCAGCGCCGTGGTGGAGTTCAAGCGGAAGGAGGTGCTTGTCCGCGCGTGCTGTG-3'
Protein context (NP_066124.1, residues 267-287): DSAPTFPAGV[Asp277Asn]TASAVVEFKR

ClinVar aggregate classification (germline): Uncertain significance. Review status: criteria provided, multiple submitters, no conflicts (2 of 4 stars). 4 submissions from 4 submitters: Uncertain significance (4). Last evaluated 2025-11-17.

Conditions:
Hereditary cancer-predisposing syndrome. Also called: Tumor predisposition; Hereditary neoplastic syndrome; Neoplastic Syndromes, Hereditary; Hereditary Cancer Syndrome. Identifiers: Orphanet 140162, MedGen C0027672, MeSH D009386, MONDO:0015356.
Multiple endocrine neoplasia, type 2 (MEN2). Identifiers: Orphanet 653, MedGen C4048306, MONDO:0019003. Disease mechanism: gain of function.

Allele frequency attached by ClinVar (database versions not stated): gnomAD exomes below 0.00001 and 0.00001; gnomAD 0.00001; TOPMed 0.00001.
gnomAD v4.1: 4 of 1,612,628 alleles (0.00025%); highest among the groups gnomAD compares: African/African-American, 0.0027%; no homozygotes.

Submissions (4):

Labcorp Genetics (formerly Invitae), Labcorp
Classification: Uncertain significance for Multiple endocrine neoplasia, type 2. Last evaluated: 2025-11-17. Review status: criteria provided, single submitter. Criteria: Invitae Variant Classification Sherloc (09022015). Collection method: clinical testing. Allele origin: germline.
Comment: This sequence change replaces aspartic acid, which is acidic and polar, with asparagine, which is neutral and polar, at codon 277 of the RET protein (p.Asp277Asn). This variant is present in population databases (no rsID available, gnomAD 0.007%). This variant has not been reported in the literature in individuals affected with RET-related conditions. ClinVar contains an entry for this variant (Variation ID: 856805). An algorithm developed to predict the effect of missense changes on protein structure and function outputs the following: PolyPhen-2: "Benign". The asparagine amino acid residue is found in multiple mammalian species, which suggests that this missense change does not adversely affect protein function. In summary, the available evidence is currently insufficient to determine the role of this variant in disease. Therefore, it has been classified as a Variant of Uncertain Significance.

Color Diagnostics, LLC DBA Color Health
Classification: Uncertain significance for Multiple endocrine neoplasia, type 2. Last evaluated: 2025-07-14. Review status: criteria provided, single submitter. Criteria: ACMG Guidelines, 2015. Collection method: clinical testing. Allele origin: germline.
Comment: This missense variant replaces aspartic acid with asparagine at codon 277 of the RET protein. Computational prediction suggests that this variant may not impact protein structure and function. To our knowledge, functional studies have not been reported for this variant. This variant has not been reported in individuals affected with RET-related disorders in the literature. This variant has been identified in 2/245844 chromosomes in the general population by the Genome Aggregation Database (gnomAD). The available evidence is insufficient to determine the role of this variant in disease conclusively. Therefore, this variant is classified as a Variant of Uncertain Significance.

Ambry Genetics
Classification: Uncertain significance for Hereditary cancer-predisposing syndrome. Last evaluated: 2025-05-07. Review status: criteria provided, single submitter. Criteria: Ambry Variant Classification Scheme 2023. Collection method: clinical testing. Allele origin: germline.
Comment: The p.D277N variant (also known as c.829G>A), located in coding exon 4 of the RET gene, results from a G to A substitution at nucleotide position 829. The aspartic acid at codon 277 is replaced by asparagine, an amino acid with highly similar properties. This amino acid position is not well conserved in available vertebrate species. In addition, this alteration is predicted to be tolerated by in silico analysis. Since supporting evidence is limited at this time, the clinical significance of this alteration remains unclear.

All of Us Research Program, National Institutes of Health
Classification: Uncertain significance for Multiple endocrine neoplasia, type 2. Last evaluated: 2023-11-30. Review status: criteria provided, single submitter. Criteria: ACMG Guidelines, 2015. Collection method: clinical testing. Allele origin: germline. Inheritance: Autosomal dominant inheritance. Observed: 1 variant allele, 1 heterozygote.
Comment: This study involves interpretation of variants in research participants for the purpose of population health screening. Participant phenotype was not available at the time of variant classification. Additional details can be found in publication PMID: 35346344, PMCID: PMC8962531